The following is an entry in ClinVar:

NM_006231.4(POLE):c.5174-1G>A

Gene: POLE (DNA polymerase epsilon, catalytic subunit; minus strand). Cytogenetic location: 12q24.33.
Variant type: single nucleotide variant.
Coding change: c.5174-1G>A on transcript NM_006231.4 (MANE Select); the canonical splice acceptor site of the intron before coding-DNA position 5174, G replaced by A.
Molecular consequence: splice acceptor variant.
Genome position (GRCh38, 1-based): chr12:132,641,852, C>T on the plus strand (G>A on the coding strand, the complement: POLE is on the minus strand). VCF-style: chr12-132641852-C-T. GRCh37 (hg19) VCF-style: chr12-133218438-C-T.
Identifiers: ClinVar variation 5027036 (VCV005027036.1).
Genomic context (GRCh38, chr12:132,641,852, plus strand): 5'-CATGGTGAGACTGGAGAATGGTGTTGACGGCCAGGTTCTGAAGGTCCAGCTCCACACACA[C>T]TGCACAGGAAGACGCCATGCTCAGCCAGCATCCTGCCAGCTCCAGCACCACCAGCCCCCT-3'

ClinVar aggregate classification (germline): Uncertain significance (1 of 4 stars; one submission).

Conditions:
Hereditary cancer-predisposing syndrome. Also called: Neoplastic Syndromes, Hereditary; Tumor predisposition; Hereditary neoplastic syndrome; Hereditary Cancer Syndrome. Identifiers: Orphanet 140162, MedGen C0027672, MeSH D009386, MONDO:0015356.

Submission:

Ambry Genetics
Classification: Uncertain significance for Hereditary cancer-predisposing syndrome. Last evaluated: 2026-06-25. Review status: criteria provided, single submitter. Criteria: Ambry Variant Classification Scheme 2023. Collection method: clinical testing. Allele origin: germline.
Comment: The c.5174-1G>A intronic variant results from a G to A substitution one nucleotide upstream from coding exon 39 of the POLE gene. This variant is considered to be rare based on population cohorts in the Genome Aggregation Database (gnomAD). This nucleotide position is highly conserved in available vertebrate species. In silico splice site analysis predicts that this alteration will weaken the native splice acceptor site and will result in the creation or strengthening of a novel splice acceptor site. Variants that disrupt the canonical splice site are expected to cause aberrant splicing, resulting in an abnormal protein or a transcript that is subject to nonsense-mediated mRNA decay. Although biallelic loss of function of POLE has been associated with autosomal recessive POLE deficiency, haploinsufficiency of POLE has not been established as a mechanism of disease for POLE-related polymerase proofreading-associated polyposis (PPAP) and POLE-related CMMRD-like syndrome. Based on the supporting evidence, this variant is expected to be causative of POLE deficiency when present along with a second pathogenic variant on the other allele; however, its clinical significance for PPAP and POLE-related CMMRD-like syndrome is unclear.